The following is an entry in ClinVar:

ClinVar aggregate classification (germline): Uncertain significance. Review status: criteria provided, multiple submitters, no conflicts (2 of 4 stars). 2 submissions from 2 submitters: Uncertain significance (2). Last evaluated 2026-02-03.

Conditions:
Hereditary cancer-predisposing syndrome. Also called: Neoplastic Syndromes, Hereditary; Hereditary neoplastic syndrome; Tumor predisposition; Hereditary Cancer Syndrome. Identifiers: Orphanet 140162, MedGen C0027672, MeSH D009386, MONDO:0015356.

Submissions (2):

Ambry Genetics
Classification: Uncertain significance for Hereditary cancer-predisposing syndrome. Last evaluated: 2026-02-03. Review status: criteria provided, single submitter. Criteria: Ambry Variant Classification Scheme 2023. Collection method: clinical testing. Allele origin: germline.
Comment: The c.8235_8237dupGAC variant (also known as p.T2746dup), located in coding exon 17 of the BRCA2 gene, results from an in-frame duplication of GAC at nucleotide positions 8235 to 8237. This results in the duplication of an extra residue between codons 2746 and 2747. This amino acid position is not well conserved in available vertebrate species. In addition, the in silico prediction for this variant is inconclusive (Choi Y et al. PLoS ONE. 2012; 7(10):e46688). Based on the available evidence, the clinical significance of this variant remains unclear.

Color Diagnostics, LLC DBA Color Health
Classification: Uncertain significance for Hereditary cancer-predisposing syndrome. Last evaluated: 2022-02-02. Review status: criteria provided, single submitter. Criteria: ACMG Guidelines, 2015. Collection method: clinical testing. Allele origin: germline.
Comment: This variant causes an in-frame duplication of one amino acid of the BRCA2 protein. To our knowledge, functional studies have not been reported for this variant. This variant has not been reported in individuals affected with hereditary cancer in the literature. This variant has not been identified in the general population by the Genome Aggregation Database (gnomAD). The available evidence is insufficient to determine the role of this variant in disease conclusively. Therefore, this variant is classified as a Variant of Uncertain Significance.

NM_000059.4(BRCA2):c.8235_8237dup (p.Thr2746dup)

Gene: BRCA2 (BRCA2 DNA repair associated; plus strand). Cytogenetic location: 13q13.1.
Variant type: Duplication.
Coding change: c.8235_8237dup on transcript NM_000059.4 (MANE Select); coding-DNA positions 8235 to 8237, 3 bases duplicated (GAC; older notation c.8235_8237dupGAC).
Protein change: p.Thr2746dup; duplicates threonine 2746.
Molecular consequence: inframe insertion.
Genome position (GRCh38, 1-based): chr13:32,363,437-32,363,439, GAC duplicated. VCF-style (leftmost placement, unchanged base first): chr13-32363436-T-TGAC. GRCh37 (hg19) VCF-style: chr13-32937573-T-TGAC.
Other names: c.8235_8237dupGAC (NM_000059.3).
Identifiers: ClinVar variation 628911 (VCV000628911.8), dbSNP rs1566245768, ClinGen allele CA913188577.
Genomic context (GRCh38, chr13:32,363,436, plus strand): 5'-GGTATGCTGTTAAGGCCCAGTTAGATCCTCCCCTCTTAGCTGTCTTAAAGAATGGCAGAC[T>TGAC]GACAGTTGGTCAGAAGATTATTCTTCATGGAGCAGAACTGGTGGGCTCTCCTGATGCCTG-3'